The following is an entry in ClinVar:

ClinVar aggregate classification (germline): Pathogenic (1 of 4 stars; one submission).

Conditions:
Immunodeficiency 23 (IMD23). Also called: IMMUNODEFICIENCY WITH HYPER IgE AND COGNITIVE IMPAIRMENT; IMMUNODEFICIENCY-VASCULITIS-MYOCLONUS SYNDROME. Identifiers: Orphanet 443811, MedGen C4014371, MONDO:0014353, OMIM 615816.

Submission:

Labcorp Genetics (formerly Invitae), Labcorp
Classification: Pathogenic for Immunodeficiency 23. Last evaluated: 2025-08-24. Review status: criteria provided, single submitter. Criteria: Invitae Variant Classification Sherloc (09022015). Collection method: clinical testing. Allele origin: germline.
Comment: This sequence change creates a premature translational stop signal (p.Ala456*) in the PGM3 gene. It is expected to result in an absent or disrupted protein product. Loss-of-function variants in PGM3 are known to be pathogenic (PMID: 17548465, 24589341, 24931394). This variant is not present in population databases (gnomAD no frequency). This variant has not been reported in the literature in individuals affected with PGM3-related conditions. Algorithms developed to predict the effect of sequence changes on RNA splicing suggest that this variant may disrupt the consensus splice site. For these reasons, this variant has been classified as Pathogenic.

Literature cited by the submitters: PubMed 17548465; PubMed 24589341; PubMed 24931394.

NM_015599.3(PGM3):c.1281_1282insTGAG (p.Ala428Ter)

Gene: PGM3 (phosphoglucomutase 3; minus strand). Cytogenetic location: 6q14.1.
Variant type: Insertion.
Coding change: c.1281_1282insTGAG on transcript NM_015599.3 (MANE Select); coding-DNA positions 1281 to 1282, TGAG inserted.
Protein change: p.Ala428Ter; replaces alanine 428 with a stop codon.
Molecular consequence: nonsense. On other transcripts: non-coding transcript variant (1), intron variant (1).
Genome position: GRCh38 VCF-style: chr6-83172020-C-CCTCA. GRCh37 (hg19) VCF-style: chr6-83881739-C-CCTCA.
Other names: c.1365_1366insTGAG, p.Ala456Ter (NM_001199917.2, NM_001367287.1); c.1038_1039insTGAG, p.Ala347Ter (NM_001199918.2); c.1281_1282insTGAG, p.Ala428Ter (NM_001199919.2); c.1243-1543_1243-1542insTGAG (NM_001367286.1); short protein forms A347*, A428*, A456*.
Identifiers: ClinVar variation 4772856 (VCV004772856.1).